The following is an entry in ClinVar:

ClinVar aggregate classification (germline): Likely benign (0 of 4 stars; one submission).

Conditions:
CHIC2-related disorder. Also called: CHIC2-related condition.

Allele frequency attached by ClinVar (database versions not stated): 1000 Genomes Project 30x 0.00016; 1000 Genomes Project 0.00020; gnomAD 0.00036; TOPMed 0.00036; gnomAD exomes 0.00043; ExAC 0.00052; ESP Exome Variant Server 0.00054.
gnomAD v4.1: 659 of 1,595,858 alleles (0.041%); highest among the groups gnomAD compares: Non-Finnish European, 0.052%; no homozygotes.

Submission:

PreventionGenetics, part of Exact Sciences
Classification: Likely benign for CHIC2-related condition. Last evaluated: 2019-03-14. Review status: no assertion criteria provided. Collection method: clinical testing. Allele origin: germline.
Comment: This variant is classified as likely benign based on ACMG/AMP sequence variant interpretation guidelines (Richards et al. 2015 PMID: 25741868, with internal and published modifications).

NM_012110.4(CHIC2):c.175-5T>C

Gene: CHIC2 (cysteine rich hydrophobic domain 2; minus strand). Cytogenetic location: 4q12.
Variant type: single nucleotide variant.
Coding change: c.175-5T>C on transcript NM_012110.4 (MANE Select); 5 bases into the intron before coding-DNA position 175, T replaced by C.
Molecular consequence: intron variant.
Genome position (GRCh38, 1-based): chr4:54,049,115, A>G on the plus strand (T>C on the coding strand, the complement: CHIC2 is on the minus strand). VCF-style: chr4-54049115-A-G. GRCh37 (hg19) VCF-style: chr4-54915282-A-G.
Identifiers: ClinVar variation 3034507 (VCV003034507.2), dbSNP rs377692827, ClinGen allele CA2921915.